The following is an entry in ClinVar:

ClinVar aggregate classification (germline): Uncertain significance (1 of 4 stars; one submission).

Conditions:
Inborn genetic diseases. Identifiers: MedGen C0950123, MeSH D030342.

gnomAD v4.1: 1 of 1,608,482 alleles (0.000062%); highest among the groups gnomAD compares: Non-Finnish European, 0.000085%; no homozygotes.

Submission:

Ambry Genetics
Classification: Uncertain significance for Inborn genetic diseases. Last evaluated: 2025-02-22. Review status: criteria provided, single submitter. Criteria: Ambry Variant Classification Scheme 2023. Collection method: clinical testing. Allele origin: germline.
Comment: The p.S339G variant (also known as c.1015A>G), located in coding exon 9 of the PAX5 gene, results from an A to G substitution at nucleotide position 1015. The serine at codon 339 is replaced by glycine, an amino acid with similar properties. This amino acid position is conserved. In addition, the in silico prediction for this alteration is inconclusive. Based on the available evidence, the clinical significance of this variant remains unclear.

NM_016734.3(PAX5):c.1015A>G (p.Ser339Gly)

Gene: PAX5 (paired box 5; minus strand). Cytogenetic location: 9p13.2.
Variant type: single nucleotide variant.
Coding change: c.1015A>G on transcript NM_016734.3 (MANE Select); coding-DNA position 1015, A replaced by G.
Protein change: p.Ser339Gly; replaces serine 339 with glycine.
Molecular consequence: missense variant. On other transcripts: synonymous variant (1), non-coding transcript variant (2), intron variant (5).
Genome position (GRCh38, 1-based): chr9:36,846,927, T>C on the plus strand (A>G on the coding strand, the complement: PAX5 is on the minus strand). VCF-style: chr9-36846927-T-C. GRCh37 (hg19) VCF-style: chr9-36846924-T-C.
Other names: c.913A>G, p.Ser305Gly (NM_001280547.2); c.783A>G, p.Gly261= (NM_001280549.2); c.886A>G, p.Ser296Gly (NM_001280554.2); c.715A>G, p.Ser239Gly (NM_001280555.2); c.691A>G, p.Ser231Gly (NM_001280556.2); c.587-6291A>G (NM_001280551.2); c.884-6291A>G (NM_001280553.2); c.781-6291A>G (NM_001280550.2); and 2 more; short protein forms S239G, S296G, S231G, S339G, S305G.
Identifiers: ClinVar variation 3885963 (VCV003885963.1).